The following is an entry in ClinVar:

NM_000875.5(IGF1R):c.1590-20_1590-19inv

Gene: IGF1R (insulin like growth factor 1 receptor; plus strand). Cytogenetic location: 15q26.3.
Variant type: Inversion.
Coding change: c.1590-20_1590-19inv on transcript NM_000875.5 (MANE Select).
Molecular consequence: intron variant.
Genome position: GRCh38 VCF-style: chr15-98913024-TG-CA. GRCh37 (hg19) VCF-style: chr15-99456253-TG-CA.
Other names: c.1590-20_1590-19inv (NM_001291858.2).
Identifiers: ClinVar variation 1987238 (VCV001987238.4), ClinGen allele CA2580090375.

ClinVar aggregate classification (germline): Uncertain significance (1 of 4 stars; one submission).

Submission:

Labcorp Genetics (formerly Invitae), Labcorp
Classification: Uncertain significance. Last evaluated: 2025-11-24. Review status: criteria provided, single submitter. Criteria: Invitae Variant Classification Sherloc (09022015). Collection method: clinical testing. Allele origin: germline.
Comment: This sequence change falls in intron 7 of the IGF1R gene. It does not directly change the encoded amino acid sequence of the IGF1R protein. Information on the frequency of this variant in the gnomAD database is not available, as this variant may be reported differently in the database. This variant has not been reported in the literature in individuals affected with IGF1R-related conditions. ClinVar contains an entry for this variant (Variation ID: 1987238). Experimental studies and prediction algorithms are not available or were not evaluated, and the effect of this variant on mRNA splicing is currently unknown. In summary, the available evidence is currently insufficient to determine the role of this variant in disease. Therefore, it has been classified as a Variant of Uncertain Significance.